The following is an entry in ClinVar:

ClinVar aggregate classification (germline): Conflicting classifications of pathogenicity. Review status: criteria provided, conflicting classifications (1 of 4 stars). 6 submissions from 6 submitters: Uncertain significance (5); Likely benign (1). Last evaluated 2026-04-23.

Conditions:
COL2A1-related disorder. Also called: COL2A1-related condition; COL2A1-related disorders.
Inborn genetic diseases. Identifiers: MedGen C0950123, MeSH D030342.

Allele frequency attached by ClinVar (database versions not stated): gnomAD exomes below 0.00001; TOPMed 0.00001.

Submissions (6):

PreventionGenetics, part of Exact Sciences
Classification: Uncertain significance for COL2A1-related condition. Last evaluated: 2026-04-23. Review status: criteria provided, single submitter. Criteria: ACMG Guidelines, 2015. Collection method: clinical testing. Allele origin: germline.
Comment: The COL2A1 c.2714T>C variant is predicted to result in the amino acid substitution p.Val905Ala. To our knowledge, this variant has not been reported in the literature. This variant is present in 0.00088% of alleles in individuals of European (Non-Finnish) descent in gnomAD. At this time, the clinical significance of this variant is uncertain due to the absence of conclusive functional and genetic evidence.

Labcorp Genetics (formerly Invitae), Labcorp
Classification: Likely benign. Last evaluated: 2026-01-14. Review status: criteria provided, single submitter. Criteria: Invitae Variant Classification Sherloc (09022015). Collection method: clinical testing. Allele origin: germline.

3billion
Classification: Uncertain significance for COL2A1-related disorder. Last evaluated: 2025-12-11. Review status: criteria provided, single submitter. Criteria: ACMG Guidelines, 2015. Collection method: clinical testing. Allele origin: germline. Affected: yes.
Comment: The variant is not observed in the gnomAD v4.1.0 dataset. Predicted Consequence/Location: The variant is located in a mutational hot spot and/or well-established functional domain in which established pathogenic variants have been reported (PMID: 26626311). Damaging effect on gene or gene product predicted by in silico programs is uncertain [REVEL: 0.56 (damaging >=0.6, benign <0.4), 3Cnet: 0.19 (damaging >0.75, benign <0.1)]. The variant has been reported as of uncertain significance (ClinVar ID: VCV001224439). Different missense changes at the same codon have been reported as of uncertain significance (ClinVar ID: VCV001465853). Therefore, this variant is classified as VUS according to the recommendation of ACMG/AMP guideline.

Ambry Genetics
Classification: Uncertain significance for Inborn genetic diseases. Last evaluated: 2025-05-14. Review status: criteria provided, single submitter. Criteria: Ambry Variant Classification Scheme 2023. Collection method: clinical testing. Allele origin: germline.

GeneDx
Classification: Uncertain significance. Last evaluated: 2025-04-17. Review status: criteria provided, single submitter. Criteria: GeneDx Variant Classification Process June 2021. Collection method: clinical testing. Allele origin: germline. Affected: yes.
Comment: Has not been previously published as pathogenic or benign to our knowledge; In silico analysis indicates that this missense variant does not alter protein structure/function; Occurs in the triple helical domain at the Y position in the canonical Gly-X-Y repeat; although this variant may have an effect on normal protein folding and function, missense substitution at the Y position is not a common mechanism of disease (HGMD)

Blueprint Genetics
Classification: Uncertain significance. Last evaluated: 2024-03-16. Review status: criteria provided, single submitter. Criteria: ACMG Guidelines, 2015. Collection method: clinical testing. Allele origin: germline.

NM_001844.5(COL2A1):c.2714T>C (p.Val905Ala)

Gene: COL2A1 (collagen type II alpha 1 chain; minus strand). Cytogenetic location: 12q13.11.
Variant type: single nucleotide variant.
Coding change: c.2714T>C on transcript NM_001844.5 (MANE Select); coding-DNA position 2714, T replaced by C.
Protein change: p.Val905Ala; replaces valine 905 with alanine.
Molecular consequence: missense variant.
Genome position (GRCh38, 1-based): chr12:47,979,530, A>G on the plus strand (T>C on the coding strand, the complement: COL2A1 is on the minus strand). VCF-style: chr12-47979530-A-G. GRCh37 (hg19) VCF-style: chr12-48373313-A-G.
Other names: c.2507T>C, p.Val836Ala (NM_033150.3); short protein forms V836A, V905A.
Identifiers: ClinVar variation 1224439 (VCV001224439.13), dbSNP rs1271505111, ClinGen allele CA384543855.